The following is an entry in ClinVar:

NM_000535.7(PMS2):c.1470G>A (p.Val490=)

Gene: PMS2 (PMS1 homolog 2, mismatch repair system component; minus strand). Cytogenetic location: 7p22.1.
Variant type: single nucleotide variant.
Coding change: c.1470G>A on transcript NM_000535.7 (MANE Select); coding-DNA position 1470, G replaced by A.
Protein change: p.Val490=; no amino-acid change (valine 490 retained).
Molecular consequence: synonymous variant. On other transcripts: non-coding transcript variant (1).
Genome position (GRCh38, 1-based): chr7:5,987,295, C>T on the plus strand (G>A on the coding strand, the complement: PMS2 is on the minus strand). VCF-style: chr7-5987295-C-T. GRCh37 (hg19) VCF-style: chr7-6026926-C-T.
Other names: c.1065G>A, p.Val355= (NM_001322003.2, NM_001322004.2, NM_001322005.2 and 1 more transcripts); c.1314G>A, p.Val438= (NM_001322006.2); c.1152G>A, p.Val384= (NM_001322007.2, NM_001322008.2); c.909G>A, p.Val303= (NM_001322010.2); c.537G>A, p.Val179= (NM_001322011.2, NM_001322012.2); c.897G>A, p.Val299= (NM_001322013.2); c.1470G>A, p.Val490= (NM_001322014.2); c.1161G>A, p.Val387= (NM_001322015.2).
Identifiers: ClinVar variation 186599 (VCV000186599.20), dbSNP rs786203076, ClinGen allele CA009729.

ClinVar aggregate classification (germline): Benign/Likely benign. Review status: criteria provided, multiple submitters, no conflicts (2 of 4 stars). 5 submissions from 5 submitters: Benign (1); Likely benign (4). Last evaluated 2025-12-27.

Conditions:
Hereditary nonpolyposis colorectal neoplasms. Identifiers: MedGen C0009405, MeSH D003123.
Lynch syndrome. Identifiers: Orphanet 144, MedGen C4552100, MONDO:0005835. Disease mechanism: loss of function.
Hereditary cancer-predisposing syndrome. Also called: Neoplastic Syndromes, Hereditary; Tumor predisposition; Hereditary Cancer Syndrome; Hereditary neoplastic syndrome. Identifiers: Orphanet 140162, MedGen C0027672, MeSH D009386, MONDO:0015356.
Lynch syndrome 4 (LYNCH4). Also called: Colorectal cancer, hereditary nonpolyposis, type 4; Hereditary non-polyposis colorectal cancer, type 4. Identifiers: Orphanet 144, MedGen C1838333, MONDO:0013699, OMIM 614337. Disease mechanism: loss of function.

Allele frequency attached by ClinVar (database versions not stated): gnomAD exomes 0.00001; TOPMed 0.00001; gnomAD 0.00002.
gnomAD v4.1: 13 of 1,614,068 alleles (0.00081%); highest among the groups gnomAD compares: Non-Finnish European, 0.00051%; no homozygotes.

Submissions (5):

Labcorp Genetics (formerly Invitae), Labcorp
Classification: Likely benign for Hereditary nonpolyposis colorectal neoplasms. Last evaluated: 2025-12-27. Review status: criteria provided, single submitter. Criteria: Invitae Variant Classification Sherloc (09022015). Collection method: clinical testing. Allele origin: germline.

Myriad Genetics, Inc.
Classification: Benign for Lynch syndrome 4. Last evaluated: 2025-01-30. Review status: criteria provided, single submitter. Criteria: Myriad Autosomal Dominant, Autosomal Recessive and X-Linked Classification Criteria (2023). Collection method: clinical testing. Allele origin: unknown.
Comment: This variant is considered benign. This variant is a silent/synonymous amino acid change and it is not expected to impact splicing.

All of Us Research Program, National Institutes of Health
Classification: Likely benign for Lynch syndrome. Last evaluated: 2023-12-13. Review status: criteria provided, single submitter. Criteria: ACMG Guidelines, 2015. Collection method: clinical testing. Allele origin: germline. Inheritance: Autosomal dominant inheritance. Observed: 4 variant alleles, 4 heterozygotes.
Comment: This study involves interpretation of variants in research participants for the purpose of population health screening. Participant phenotype was not available at the time of variant classification. Additional details can be found in publication PMID: 35346344, PMCID: PMC8962531

Color Diagnostics, LLC DBA Color Health
Classification: Likely benign for Hereditary cancer-predisposing syndrome. Last evaluated: 2015-04-08. Review status: criteria provided, single submitter. Criteria: ACMG Guidelines, 2015. Collection method: clinical testing. Allele origin: germline.

Ambry Genetics
Classification: Likely benign for Hereditary cancer-predisposing syndrome. Last evaluated: 2014-10-14. Review status: criteria provided, single submitter. Criteria: Ambry Variant Classification Scheme 2023. Collection method: clinical testing. Allele origin: germline.